The following is an entry in ClinVar:

ClinVar aggregate classification (germline): Uncertain significance (1 of 4 stars; one submission).

Conditions:
Inborn genetic diseases. Identifiers: MedGen C0950123, MeSH D030342.

gnomAD v4.1: 1 of 1,613,806 alleles (0.000062%); highest among the groups gnomAD compares: African/African-American, 0.0013%; no homozygotes.

Submission:

Ambry Genetics
Classification: Uncertain significance for Inborn genetic diseases. Last evaluated: 2025-01-10. Review status: criteria provided, single submitter. Criteria: Ambry Variant Classification Scheme 2023. Collection method: clinical testing. Allele origin: germline.
Comment: The p.E954G variant (also known as c.2861A>G), located in coding exon 1 of the SAMD9 gene, results from an A to G substitution at nucleotide position 2861. The glutamic acid at codon 954 is replaced by glycine, an amino acid with similar properties. This amino acid position is conserved. In addition, this alteration is predicted to be tolerated by in silico analysis. Based on the available evidence, the clinical significance of this variant remains unclear.

NM_017654.4(SAMD9):c.2861A>G (p.Glu954Gly)

Gene: SAMD9 (sterile alpha motif domain containing 9; minus strand). Cytogenetic location: 7q21.2.
Variant type: single nucleotide variant.
Coding change: c.2861A>G on transcript NM_017654.4 (MANE Select); coding-DNA position 2861, A replaced by G.
Protein change: p.Glu954Gly; replaces glutamic acid 954 with glycine.
Molecular consequence: missense variant.
Genome position (GRCh38, 1-based): chr7:93,103,237, T>C on the plus strand (A>G on the coding strand, the complement: SAMD9 is on the minus strand). VCF-style: chr7-93103237-T-C. GRCh37 (hg19) VCF-style: chr7-92732550-T-C.
Other names: c.2861A>G, p.Glu954Gly (NM_001193307.2); short protein forms E954G.
Identifiers: ClinVar variation 3791992 (VCV003791992.1).